The following is an entry in ClinVar:

NM_024409.4(NPPC):c.37C>G (p.Leu13Val)

Gene: NPPC (natriuretic peptide C; minus strand). Cytogenetic location: 2q37.1.
Variant type: single nucleotide variant.
Coding change: c.37C>G on transcript NM_024409.4 (MANE Select); coding-DNA position 37, C replaced by G.
Protein change: p.Leu13Val; replaces leucine 13 with valine.
Molecular consequence: missense variant.
Genome position (GRCh38, 1-based): chr2:231,926,213, G>C on the plus strand (C>G on the coding strand, the complement: NPPC is on the minus strand). VCF-style: chr2-231926213-G-C. GRCh37 (hg19) VCF-style: chr2-232790923-G-C.
Other names: short protein forms L13V.
Identifiers: ClinVar variation 1945485 (VCV001945485.5), dbSNP rs1244796926, ClinGen allele CA351150502.
Genomic context (GRCh38, chr2:231,926,213, plus strand): 5'-CACCCACCTTCGGCGGCGCCCCGGGCTTGGCTTCGGAGGGCCGGAGGGAGAGCAGCGTGA[G>C]CAGCAGGGCGCAGGCCAGCAGCTGGGAGAGATGCATGGTGCCGCTGGGGTCGAGGGGCGC-3'
Protein context (NP_077720.1, residues 3-23): LSQLLACALL[Leu13Val]TLLSLRPSEA

ClinVar aggregate classification (germline): Uncertain significance (1 of 4 stars; one submission).

Allele frequency attached by ClinVar (database versions not stated): gnomAD exomes 0.00002.
gnomAD v4.1: 5 of 1,328,924 alleles (0.00038%); highest among the groups gnomAD compares: East Asian, 0.0031%; no homozygotes.

Submission:

Labcorp Genetics (formerly Invitae), Labcorp
Classification: Uncertain significance. Last evaluated: 2025-10-02. Review status: criteria provided, single submitter. Criteria: Invitae Variant Classification Sherloc (09022015). Collection method: clinical testing. Allele origin: germline.
Comment: This sequence change replaces leucine, which is neutral and non-polar, with valine, which is neutral and non-polar, at codon 13 of the NPPC protein (p.Leu13Val). This variant is not present in population databases (gnomAD no frequency). This variant has not been reported in the literature in individuals affected with NPPC-related conditions. ClinVar contains an entry for this variant (Variation ID: 1945485). Experimental studies and prediction algorithms are not available or were not evaluated, and the functional significance of this variant is currently unknown. In summary, the available evidence is currently insufficient to determine the role of this variant in disease. Therefore, it has been classified as a Variant of Uncertain Significance.